The following is an entry in ClinVar:

ClinVar aggregate classification (germline): Pathogenic (1 of 4 stars; one submission).

Conditions:
DICER1-related tumor predisposition. Also called: DICER1 syndrome; DICER1-related pleuropulmonary blastoma cancer predisposition syndrome. Identifiers: Orphanet 284343, MedGen C3839822, MONDO:0100216.

Submission:

Labcorp Genetics (formerly Invitae), Labcorp
Classification: Pathogenic for DICER1-related tumor predisposition. Last evaluated: 2022-09-01. Review status: criteria provided, single submitter. Criteria: Invitae Variant Classification Sherloc (09022015). Collection method: clinical testing. Allele origin: germline.
Comment: For these reasons, this variant has been classified as Pathogenic. ClinVar contains an entry for this variant (Variation ID: 663618). This variant has not been reported in the literature in individuals affected with DICER1-related conditions. This variant is not present in population databases (gnomAD no frequency). This sequence change creates a premature translational stop signal (p.Ser673*) in the DICER1 gene. It is expected to result in an absent or disrupted protein product. Loss-of-function variants in DICER1 are known to be pathogenic (PMID: 19556464, 21266384).

Literature cited by the submitters: PubMed 19556464; PubMed 21266384.

NM_177438.3(DICER1):c.2018C>G (p.Ser673Ter)

Gene: DICER1 (dicer 1, ribonuclease III; minus strand). Cytogenetic location: 14q32.13.
Variant type: single nucleotide variant.
Coding change: c.2018C>G on transcript NM_177438.3 (MANE Select); coding-DNA position 2018, C replaced by G.
Protein change: p.Ser673Ter; replaces serine 673 with a stop codon.
Molecular consequence: nonsense.
Genome position (GRCh38, 1-based): chr14:95,113,114, G>C on the plus strand (C>G on the coding strand, the complement: DICER1 is on the minus strand). VCF-style: chr14-95113114-G-C. GRCh37 (hg19) VCF-style: chr14-95579451-G-C.
Other names: c.2018C>G, p.Ser673Ter (NM_001195573.1, NM_001271282.3, NM_001291628.2 and 1 more transcripts); short protein forms S673*.
Identifiers: ClinVar variation 663618 (VCV000663618.8), dbSNP rs1595396643, ClinGen allele CA390883194.